The following is an entry in ClinVar:

ClinVar aggregate classification (germline): Uncertain significance. Review status: criteria provided, multiple submitters, no conflicts (2 of 4 stars). 2 submissions from 2 submitters: Uncertain significance (2). Last evaluated 2024-03-06.

Conditions:
Familial thoracic aortic aneurysm and aortic dissection (TAAD). Also called: Thoracic aortic aneurysms and dissections. Identifiers: Orphanet 91387, MedGen C4707243, MONDO:0019625.

Allele frequency attached by ClinVar (database versions not stated): gnomAD exomes below 0.00001.
gnomAD v4.1: 2 of 1,613,866 alleles (0.00012%); highest among the groups gnomAD compares: Non-Finnish European, 0.00017%; no homozygotes.

Submissions (2):

Color Diagnostics, LLC DBA Color Health
Classification: Uncertain significance for Familial thoracic aortic aneurysm and aortic dissection. Last evaluated: 2024-03-06. Review status: criteria provided, single submitter. Criteria: ACMG Guidelines, 2015. Collection method: clinical testing. Allele origin: germline.
Comment: This missense variant replaces lysine with arginine at codon 338 of the ACTA2 protein. Computational prediction tools indicate that this variant has a deleterious impact on protein structure and function. To our knowledge, functional studies have not been reported for this variant. This variant has not been reported in individuals affected with ACTA2-related disorders in the literature. This variant has not been identified in the general population by the Genome Aggregation Database (gnomAD). The available evidence is insufficient to determine the role of this variant in disease conclusively. Therefore, this variant is classified as a Variant of Uncertain Significance.

Blueprint Genetics
Classification: Uncertain significance. Last evaluated: 2023-10-20. Review status: criteria provided, single submitter. Criteria: ACMG Guidelines, 2015. Collection method: clinical testing. Allele origin: germline.

NM_001613.4(ACTA2):c.1013A>G (p.Lys338Arg)

Genes: ACTA2 (actin alpha 2, smooth muscle; minus strand), ACTA2-AS1 (ACTA2 antisense RNA 1; plus strand). Cytogenetic location: 10q23.31.
Variant type: single nucleotide variant.
Coding change: c.1013A>G on transcript NM_001613.4 (MANE Select); coding-DNA position 1013, A replaced by G.
Protein change: p.Lys338Arg; replaces lysine 338 with arginine.
Molecular consequence: missense variant. On other transcripts: non-coding transcript variant (1).
Genome position (GRCh38, 1-based): chr10:88,935,344, T>C on the plus strand (A>G on the coding strand, the complement: ACTA2 is on the minus strand). VCF-style: chr10-88935344-T-C. GRCh37 (hg19) VCF-style: chr10-90695101-T-C.
Other names: c.1013A>G, p.Lys338Arg (NM_001141945.3, NM_001320855.2, NM_001406462.1 and 2 more transcripts); c.902A>G, p.Lys301Arg (NM_001406466.1); c.884A>G, p.Lys295Arg (NM_001406467.1, NM_001406468.1, NM_001406469.1); c.821A>G, p.Lys274Arg (NM_001406471.1); short protein forms K338R, K295R, K274R, K301R.
Identifiers: ClinVar variation 1171397 (VCV001171397.6), dbSNP rs920243723, ClinGen allele CA377510587.